The following is an entry in ClinVar:

NM_000302.4(PLOD1):c.785C>T (p.Thr262Ile)

Gene: PLOD1 (procollagen-lysine,2-oxoglutarate 5-dioxygenase 1; plus strand). Cytogenetic location: 1p36.22.
Variant type: single nucleotide variant.
Coding change: c.785C>T on transcript NM_000302.4 (MANE Select); coding-DNA position 785, C replaced by T.
Protein change: p.Thr262Ile; replaces threonine 262 with isoleucine.
Molecular consequence: missense variant.
Genome position (GRCh38, 1-based): chr1:11,957,885, C>T. VCF-style: chr1-11957885-C-T. GRCh37 (hg19) VCF-style: chr1-12017942-C-T.
Other names: p.Thr262Ile; c.926C>T, p.Thr309Ile (NM_001316320.2); short protein forms T262I, T309I.
Identifiers: ClinVar variation 459828 (VCV000459828.24), dbSNP rs147940796, ClinGen allele CA598135.
Genomic context (GRCh38, chr1:11,957,885, plus strand): 5'-CCACGTCTCCCCGACAGCTGCAGTTGAACTACCTGGGCAACTACATCCCGCGCTTCTGGA[C>T]CTTCGAAACAGGCTGCACCGTGTGTGACGAAGGCTTGCGCAGCCTCAAGGGCATTGGGGT-3'
Protein context (NP_000293.2, residues 252-272): YLGNYIPRFW[Thr262Ile]FETGCTVCDE

ClinVar aggregate classification (germline): Conflicting classifications of pathogenicity. Review status: criteria provided, conflicting classifications (1 of 4 stars). 7 submissions from 7 submitters: Uncertain significance (5); Likely benign (2). Last evaluated 2026-06-15.

Conditions:
PLOD1-related disorder. Also called: PLOD1-related condition.
Familial thoracic aortic aneurysm and aortic dissection (TAAD). Also called: Thoracic aortic aneurysms and dissections. Identifiers: Orphanet 91387, MedGen C4707243, MONDO:0019625.
Ehlers-Danlos syndrome, kyphoscoliotic type 1 (EDSKSCL1). Also called: EHLERS-DANLOS SYNDROME, TYPE VIA; EHLERS-DANLOS SYNDROME, OCULAR-SCOLIOTIC TYPE; Ehlers-Danlos syndrome, hydroxylysine-deficient; PLOD1-Related Kyphoscoliotic Ehlers-Danlos Syndrome. Identifiers: Orphanet 1900, MedGen C0268342, MONDO:0016002, OMIM 225400. Disease mechanism: loss of function.

Allele frequency attached by ClinVar (database versions not stated): gnomAD exomes 0.00004 and 0.00014; ExAC 0.00013; gnomAD 0.00051 and 0.00058; TOPMed 0.00065; ESP Exome Variant Server 0.00069.
gnomAD v4.1: 144 of 1,614,018 alleles (0.0089%); highest among the groups gnomAD compares: African/African-American, 0.16%; no homozygotes.

Submissions (7):

Women's Health and Genetics/Laboratory Corporation of America, LabCorp
Classification: Uncertain significance. Last evaluated: 2026-06-15. Review status: criteria provided, single submitter. Criteria: LabCorp Variant Classification Summary - May 2015. Collection method: clinical testing. Allele origin: germline.
Comment: Variant summary: PLOD1 c.785C>T (p.Thr262Ile) results in a non-conservative amino acid change in the encoded protein sequence. Algorithms developed to predict the effect of missense changes on protein structure and function are either unavailable or do not agree on the potential impact of this missense change. The variant allele was found at a frequency of 0.00014 in 251476 control chromosomes. This frequency is not significantly higher than estimated for disease-causing variants in PLOD1, allowing no conclusion about variant significance. To our knowledge, no occurrence of c.785C>T in individuals affected with PLOD1-related conditions and no experimental evidence demonstrating its impact on protein function have been reported. ClinVar contains an entry for this variant (Variation ID: 459828). Based on the evidence outlined above, the variant was classified as uncertain significance.

PreventionGenetics, part of Exact Sciences
Classification: Likely benign for PLOD1-related condition. Last evaluated: 2026-02-27. Review status: criteria provided, single submitter. Criteria: ACMG Guidelines, 2015. Collection method: clinical testing. Allele origin: germline.
Comment: This variant is classified as likely benign based on ACMG/AMP sequence variant interpretation guidelines (Richards et al. 2015 PMID: 25741868, with internal and published modifications).

Labcorp Genetics (formerly Invitae), Labcorp
Classification: Likely benign for Ehlers-Danlos syndrome, kyphoscoliotic type 1. Last evaluated: 2026-01-14. Review status: criteria provided, single submitter. Criteria: Invitae Variant Classification Sherloc (09022015). Collection method: clinical testing. Allele origin: germline.

Mayo Clinic Laboratories, Mayo Clinic
Classification: Uncertain significance. Last evaluated: 2025-09-29. Review status: criteria provided, single submitter. Criteria: ACMG Guidelines, 2015. Collection method: clinical testing. Allele origin: germline. Observed: 1 variant allele.
Comment: BS1

GeneDx
Classification: Uncertain significance. Last evaluated: 2025-05-22. Review status: criteria provided, single submitter. Criteria: GeneDx Variant Classification Process June 2021. Collection method: clinical testing. Allele origin: germline. Affected: yes.
Comment: Has not been previously published as pathogenic or benign to our knowledge; In silico analysis supports that this missense variant has a deleterious effect on protein structure/function

Ambry Genetics
Classification: Uncertain significance for Familial thoracic aortic aneurysm and aortic dissection. Last evaluated: 2025-02-05. Review status: criteria provided, single submitter. Criteria: Ambry Variant Classification Scheme 2023. Collection method: clinical testing. Allele origin: germline.
Comment: The p.T262I variant (also known as c.785C>T), located in coding exon 8 of the PLOD1 gene, results from a C to T substitution at nucleotide position 785. The threonine at codon 262 is replaced by isoleucine, an amino acid with similar properties. This amino acid position is conserved. In addition, this alteration is predicted to be deleterious by in silico analysis. Since supporting evidence is limited at this time, the clinical significance of this alteration remains unclear.

ARUP Laboratories, Molecular Genetics and Genomics, ARUP Laboratories
Classification: Uncertain significance for Ehlers-Danlos syndrome, kyphoscoliotic type 1. Last evaluated: 2018-10-24. Review status: criteria provided, single submitter. Criteria: ARUP Molecular Germline Variant Investigation Process. Collection method: clinical testing. Allele origin: germline.
Comment: The PLOD1 c.785C>T; p.Thr262Ile variant (rs147940796), to our knowledge, is not reported in the medical literature but is reported in ClinVar (Variation ID: 459828). This variant is found in the African population with an overall allele frequency of 0.15% (37/24018 alleles) in the Genome Aggregation Database. The threonine at codon 262 is highly conserved, and computational analyses (SIFT, PolyPhen-2) predict that this variant is deleterious. However, due to limited information, the clinical significance of the p.Thr262Ile variant is uncertain at this time.